The following is an entry in ClinVar:

NM_018979.4(WNK1):c.3578G>A (p.Ser1193Asn)

Gene: WNK1 (WNK lysine deficient protein kinase 1; plus strand). Cytogenetic location: 12p13.33.
Variant type: single nucleotide variant.
Coding change: c.3578G>A on transcript NM_018979.4 (MANE Select); coding-DNA position 3578, G replaced by A.
Protein change: p.Ser1193Asn; replaces serine 1193 with asparagine.
Molecular consequence: missense variant.
Genome position (GRCh38, 1-based): chr12:883,483, G>A. VCF-style: chr12-883483-G-A. GRCh37 (hg19) VCF-style: chr12-992649-G-A.
Other names: c.4358G>A, p.Ser1453Asn (NM_001184985.2); c.2837G>A, p.Ser946Asn (NM_014823.3); c.4334G>A, p.Ser1445Asn (NM_213655.5); short protein forms S1445N, S1193N, S946N, S1453N.
Identifiers: ClinVar variation 194667 (VCV000194667.35), dbSNP rs72650720, ClinGen allele CA240768.

ClinVar aggregate classification (germline): Conflicting classifications of pathogenicity. Review status: criteria provided, conflicting classifications (1 of 4 stars). 8 submissions from 8 submitters: Uncertain significance (4); Benign (1); Likely benign (2). 1 of the submissions does not count toward it. Last evaluated 2026-01-12.

Conditions:
Inborn genetic diseases. Identifiers: MedGen C0950123, MeSH D030342.
WNK1-related disorder. Also called: WNK1-related condition.
Neuropathy, hereditary sensory and autonomic, type 2A (HSAN2A). Also called: MORVAN DISEASE; NEUROPATHY, CONGENITAL SENSORY; NEUROPATHY, HEREDITARY SENSORY RADICULAR, AUTOSOMAL RECESSIVE; NEUROPATHY, HEREDITARY SENSORY, TYPE IIA; NEUROPATHY, PROGRESSIVE SENSORY, OF CHILDREN; ACROOSTEOLYSIS, GIACCAI TYPE. Identifiers: Orphanet 970, MedGen C2752089, MONDO:0024309, OMIM 201300.
Pseudohypoaldosteronism type 2C (PHA2C). Also called: Pseudohypoaldosteronism Type IIC. Identifiers: Orphanet 757, Orphanet 88940, MedGen C1840391, MONDO:0013778, OMIM 614492.

Allele frequency attached by ClinVar (database versions not stated): 1000 Genomes Project 0.00020; 1000 Genomes Project 30x 0.00031; TOPMed 0.00039; gnomAD exomes 0.00040 and 0.00058; ExAC 0.00043; gnomAD 0.00044 and 0.00045; ESP Exome Variant Server 0.00069.
gnomAD v4.1: 660 of 1,614,108 alleles (0.041%); highest among the groups gnomAD compares: Middle Eastern, 0.12%; 1 homozygote.

Submissions (8):

Labcorp Genetics (formerly Invitae), Labcorp
Classification: Likely benign for Neuropathy, hereditary sensory and autonomic, type 2A; Pseudohypoaldosteronism type 2C. Last evaluated: 2026-01-12. Review status: criteria provided, single submitter. Criteria: Invitae Variant Classification Sherloc (09022015). Collection method: clinical testing. Allele origin: germline.

Women's Health and Genetics/Laboratory Corporation of America, LabCorp
Classification: Likely benign. Last evaluated: 2025-09-16. Review status: criteria provided, single submitter. Criteria: LabCorp Variant Classification Summary - May 2015. Collection method: clinical testing. Allele origin: germline.
Comment: Variant summary: WNK1 c.3578G>A (p.Ser1193Asn) results in a conservative amino acid change in the encoded protein sequence. Algorithms developed to predict the effect of missense changes on protein structure and function are either unavailable or do not agree on the potential impact of this missense change. The variant allele was found at a frequency of 0.00058 in 251428 control chromosomes, predominantly at a frequency of 0.0035 within the Ashkenazi Jewish subpopulation in the gnomAD database. The observed variant frequency within Ashkenazi Jewish control individuals in the gnomAD database exceeds the estimated maximal expected allele frequency for disease-causing variants in WNK1. c.3578G>A has been observed in at least one individual affected with hereditary sensory neuropathy, without strong evidence of causality (example: Antoniadi_2015). This report does not provide unequivocal conclusions about association of the variant with Neuropathy, hereditary sensory and autonomic, type 2A. To our knowledge, no experimental evidence demonstrating an impact on protein function has been reported. The following publication has been ascertained in the context of this evaluation (PMID: 26392352). ClinVar contains an entry for this variant (Variation ID: 194667). Based on the evidence outlined above, the variant was classified as likely benign.

Mayo Clinic Laboratories, Mayo Clinic
Classification: Uncertain significance. Last evaluated: 2025-01-31. Review status: criteria provided, single submitter. Criteria: ACMG Guidelines, 2015. Collection method: clinical testing. Allele origin: germline. Observed: 7 variant alleles.
Comment: BP4

Ambry Genetics
Classification: Uncertain significance for Inborn genetic diseases. Last evaluated: 2022-03-28. Review status: criteria provided, single submitter. Criteria: Ambry Variant Classification Scheme 2023. Collection method: clinical testing. Allele origin: germline.
Comment: The p.S1445N variant (also known as c.4334G>A), located in coding exon 16 of the WNK1 gene, results from a G to A substitution at nucleotide position 4334. The serine at codon 1445 is replaced by asparagine, an amino acid with highly similar properties. This amino acid position is highly conserved in available vertebrate species. In addition, this alteration is predicted to be tolerated by in silico analysis. Since supporting evidence is limited at this time, the clinical significance of this alteration remains unclear.

ARUP Laboratories, Molecular Genetics and Genomics, ARUP Laboratories
Classification: Uncertain significance. Last evaluated: 2019-02-11. Review status: criteria provided, single submitter. Criteria: ARUP Molecular Germline Variant Investigation Process. Collection method: clinical testing. Allele origin: germline.
Comment: The WNK1 c.3578G>A; p.Ser1193Asn variant (rs72650720, ClinVar variant ID 194667), to our knowledge, is not reported in the medical literature or gene specific variation databases. This variant is listed in the genome Aggregation Database (gnomAD) with an overall population frequency of 0.05% (identified on 155 out of 282,826 chromosomes, including one homozygote). The serine at position 1193 is highly conserved, considering 18 species, and computational analyses of the effects of the p.Ser1193Asn variant on protein structure and function make conflicting predictions (SIFT: damaging, PolyPhen-2: benign). Based on the available information, the clinical significance of the p.Ser1193Asn variant cannot be determined with certainty.

Illumina Laboratory Services, Illumina
Classification: Benign for Pseudohypoaldosteronism type 2C. Last evaluated: 2018-01-13. Review status: criteria provided, single submitter. Criteria: ICSL Variant Classification Criteria 13 December 2019. Collection method: clinical testing. Allele origin: germline.
Comment: This variant was observed in the ICSL laboratory as part of a predisposition screen in an ostensibly healthy population. It had not been previously curated by ICSL or reported in the Human Gene Mutation Database (HGMD: prior to June 1st, 2018), and was therefore a candidate for classification through an automated scoring system. Utilizing variant allele frequency, disease prevalence and penetrance estimates, and inheritance mode, an automated score was calculated to assess if this variant is too frequent to cause the disease. Based on the score and internal cut-off values, a variant classified as benign is not then subjected to further curation. The score for this variant resulted in a classification of benign for this disease.

Eurofins Ntd Llc (ga)
Classification: Uncertain significance. Last evaluated: 2016-09-07. Review status: criteria provided, single submitter. Criteria: EGL Classification Definitions 2015. Collection method: clinical testing. Allele origin: germline. Observed: 2 variant alleles, 2 heterozygotes.

PreventionGenetics, part of Exact Sciences
Classification: Likely benign for WNK1-related condition. Last evaluated: 2023-09-13. Review status: no assertion criteria provided. Collection method: clinical testing. Allele origin: germline. Not counted in ClinVar's aggregate classification.
Comment: This variant is classified as likely benign based on ACMG/AMP sequence variant interpretation guidelines (Richards et al. 2015 PMID: 25741868, with internal and published modifications).

Literature cited by the submitters: PubMed 26392352 (cited by Women's Health and Genetics/Laboratory Corporation of America, LabCorp).